The following is an entry in ClinVar:

NM_015702.3(MMADHC):c.154+1G>A

Gene: MMADHC (metabolism of cobalamin associated D; minus strand). Cytogenetic location: 2q23.2.
Variant type: single nucleotide variant.
Coding change: c.154+1G>A on transcript NM_015702.3 (MANE Select); the canonical splice donor site of the intron after coding-DNA position 154, G replaced by A.
Molecular consequence: splice donor variant.
Genome position (GRCh38, 1-based): chr2:149,582,126, C>T on the plus strand (G>A on the coding strand, the complement: MMADHC is on the minus strand). VCF-style: chr2-149582126-C-T. GRCh37 (hg19) VCF-style: chr2-150438640-C-T.
Identifiers: ClinVar variation 648105 (VCV000648105.14), dbSNP rs1385597423, ClinGen allele CA348870965.
Genomic context (GRCh38, chr2:149,582,126, plus strand): 5'-AAAATACAACTAAAAATGTTTTGAAACAATTATAAGTAAAGCAGTAACAACTTTCACTTA[C>T]ATATATCTGGAGGTGCAGCAGCCACATGAGACTCATCCGAACCTGATGATCCTGCAGTCG-3'

ClinVar aggregate classification (germline): Pathogenic/Likely pathogenic. Review status: criteria provided, multiple submitters, no conflicts (2 of 4 stars). 4 submissions from 4 submitters: Pathogenic (1); Likely pathogenic (3). Last evaluated 2025-03-25.

Conditions:
Methylmalonic aciduria and homocystinuria type cblD (MAHCD). Also called: METHYLMALONIC ACIDEMIA, cblH TYPE; Methylmalonic aciduria with homocystinuria cblD type. Identifiers: Orphanet 622, Orphanet 79283, MedGen C1848552, MONDO:0010185, OMIM 277410.

Allele frequency attached by ClinVar (database versions not stated): gnomAD exomes 0.00001.
gnomAD v4.1: 14 of 1,613,758 alleles (0.00087%); highest among the groups gnomAD compares: Non-Finnish European, 0.0012%; no homozygotes.

Submissions (4):

Natera, Inc.
Classification: Likely pathogenic for Methylmalonic aciduria with homocystinuria cblD type. Last evaluated: 2025-03-25. Review status: criteria provided, single submitter. Criteria: Natera Variant Classification Schema (03/2026). Collection method: clinical testing. Allele origin: germline.
Comment: The c.154+1G>A variant in MMADHC is a canonical splice donor site variant predicted to affect pre-mRNA splicing, which may result in an abnormal transcript and altered protein product. This variant is expected to result in nonsense mediated decay, truncation, or a dysfunctional protein product. This variant is rare in the general population with a frequency below the threshold expected for the associated phenotype(s). Given the available evidence, this variant is classified as Likely Pathogenic.

Baylor Genetics
Classification: Likely pathogenic for Methylmalonic aciduria and homocystinuria type cblD. Last evaluated: 2023-07-18. Review status: criteria provided, single submitter. Criteria: ACMG Guidelines, 2015. Collection method: clinical testing. Allele origin: unknown.

Labcorp Genetics (formerly Invitae), Labcorp
Classification: Likely pathogenic for Methylmalonic aciduria and homocystinuria type cblD. Last evaluated: 2022-08-16. Review status: criteria provided, single submitter. Criteria: Invitae Variant Classification Sherloc (09022015). Collection method: clinical testing. Allele origin: germline.
Comment: In summary, the currently available evidence indicates that the variant is pathogenic, but additional data are needed to prove that conclusively. Therefore, this variant has been classified as Likely Pathogenic. Algorithms developed to predict the effect of sequence changes on RNA splicing suggest that this variant may disrupt the consensus splice site. ClinVar contains an entry for this variant (Variation ID: 648105). This variant has not been reported in the literature in individuals affected with MMADHC-related conditions. This variant is present in population databases (no rsID available, gnomAD 0.002%). This sequence change affects a donor splice site in intron 3 of the MMADHC gene. It is expected to disrupt RNA splicing. Variants that disrupt the donor or acceptor splice site typically lead to a loss of protein function (PMID: 16199547), and loss-of-function variants in MMADHC are known to be pathogenic (PMID: 18385497).

Revvity Omics, Revvity
Classification: Pathogenic for Methylmalonic aciduria and homocystinuria type cblD. Last evaluated: 2020-07-08. Review status: criteria provided, single submitter. Criteria: ACMG Guidelines, 2015. Collection method: clinical testing. Allele origin: germline.

Literature cited by the submitters: PubMed 16199547 (cited by Labcorp Genetics (formerly Invitae), Labcorp); PubMed 18385497 (cited by Labcorp Genetics (formerly Invitae), Labcorp).